The following is an entry in ClinVar:

ClinVar aggregate classification (germline): Benign/Likely benign. Review status: criteria provided, multiple submitters, no conflicts (2 of 4 stars). 4 submissions from 4 submitters: Benign (1); Likely benign (2). 1 of the submissions does not count toward it. Last evaluated 2026-07-01.

Allele frequency attached by ClinVar (database versions not stated): 1000 Genomes Project 0.00160; 1000 Genomes Project 30x 0.00172; TOPMed 0.00377; ESP Exome Variant Server 0.00423.
gnomAD v4.1: 6,413 of 1,613,984 alleles (0.4%); highest among the groups gnomAD compares: Middle Eastern, 0.69%; 25 homozygotes.

Submissions (4):

CeGaT Center for Human Genetics Tuebingen
Classification: Likely benign. Last evaluated: 2026-07-01. Review status: criteria provided, single submitter. Criteria: CeGaT Center For Human Genetics Tuebingen Variant Classification Criteria Version 2. Collection method: clinical testing. Allele origin: germline. Affected: yes. Observed: 3 variant alleles.
Comment: ERBB2: BP4, BS2

Labcorp Genetics (formerly Invitae), Labcorp
Classification: Benign. Last evaluated: 2025-12-29. Review status: criteria provided, single submitter. Criteria: Invitae Variant Classification Sherloc (09022015). Collection method: clinical testing. Allele origin: germline.

Breakthrough Genomics
Classification: Likely benign. Review status: criteria provided, single submitter. Criteria: ACMG Guidelines, 2015. Collection method: not provided. Allele origin: germline. Inheritance: Autosomal recessive inheritance. Affected: yes.

ITMI
No classification provided. Condition: AllHighlyPenetrant. Last evaluated: 2013-09-19. Review status: no classification provided. Collection method: reference population. Allele origin: germline. Not counted in ClinVar's aggregate classification.
Comment: Please see associated publication for description of ethnicities

Literature cited by the submitters: PubMed 24728327 (cited by ITMI).

NM_004448.4(ERBB2):c.1157C>A (p.Ala386Asp)

Gene: ERBB2 (erb-b2 receptor tyrosine kinase 2; plus strand). Cytogenetic location: 17q12.
Variant type: single nucleotide variant.
Coding change: c.1157C>A on transcript NM_004448.4 (MANE Select); coding-DNA position 1157, C replaced by A.
Protein change: p.Ala386Asp; replaces alanine 386 with aspartic acid.
Molecular consequence: missense variant. On other transcripts: non-coding transcript variant (1).
Genome position (GRCh38, 1-based): chr17:39,715,294, C>A. VCF-style: chr17-39715294-C-A. GRCh37 (hg19) VCF-style: chr17-37871547-C-A.
Other names: c.1067C>A, p.Ala356Asp (NM_001005862.3, NM_001289938.2, NM_001382782.1 and 1 more transcripts); c.1112C>A, p.Ala371Asp (NM_001289936.2); c.1157C>A, p.Ala386Asp (NM_001289937.2, NM_001382785.1, NM_001382788.1 and 14 more transcripts); c.1274C>A, p.Ala425Asp (NM_001382784.1, NM_001382786.1); c.1232C>A, p.Ala411Asp (NM_001382787.1); c.1148C>A, p.Ala383Asp (NM_001382791.1); c.977C>A, p.Ala326Asp (NM_001382799.1); c.899C>A, p.Ala300Asp (NM_001382802.1); and 1 more; short protein forms A356D, A386D, A371D, A110D, A300D, A326D, A383D, A411D.
Identifiers: ClinVar variation 134068 (VCV000134068.19), dbSNP rs141116145, ClinGen allele CA158547.